The following is an entry in ClinVar:

NM_001378457.1(DMXL2):c.8390A>G (p.His2797Arg)

Gene: DMXL2 (Dmx like 2; minus strand). Cytogenetic location: 15q21.2.
Variant type: single nucleotide variant.
Coding change: c.8390A>G on transcript NM_001378457.1 (MANE Select); coding-DNA position 8390, A replaced by G.
Protein change: p.His2797Arg; replaces histidine 2797 with arginine.
Molecular consequence: missense variant. On other transcripts: non-coding transcript variant (2).
Genome position (GRCh38, 1-based): chr15:51,456,317, T>C on the plus strand (A>G on the coding strand, the complement: DMXL2 is on the minus strand). VCF-style: chr15-51456317-T-C. GRCh37 (hg19) VCF-style: chr15-51748514-T-C.
Other names: c.8327A>G, p.His2776Arg (NM_001174116.3); c.6416A>G, p.His2139Arg (NM_001174117.3); c.8387A>G, p.His2796Arg (NM_001378458.1); c.8102A>G, p.His2701Arg (NM_001378459.1); c.6305A>G, p.His2102Arg (NM_001378460.1); c.8324A>G, p.His2775Arg (NM_015263.5); short protein forms H2139R, H2797R, H2102R, H2775R, H2776R, H2796R, H2701R.
Identifiers: ClinVar variation 2133585 (VCV002133585.4), dbSNP rs2542983228, ClinGen allele CA392434522.

ClinVar aggregate classification (germline): Uncertain significance (1 of 4 stars; one submission).

Allele frequency attached by ClinVar (database versions not stated): gnomAD exomes 0.00002.
gnomAD v4.1: 14 of 1,599,872 alleles (0.00088%); highest among the groups gnomAD compares: Non-Finnish European, 0.0012%; no homozygotes.

Submission:

Labcorp Genetics (formerly Invitae), Labcorp
Classification: Uncertain significance. Last evaluated: 2025-03-10. Review status: criteria provided, single submitter. Criteria: Invitae Variant Classification Sherloc (09022015). Collection method: clinical testing. Allele origin: germline.
Comment: This sequence change replaces histidine, which is basic and polar, with arginine, which is basic and polar, at codon 2776 of the DMXL2 protein (p.His2776Arg). This variant is not present in population databases (gnomAD no frequency). This variant has not been reported in the literature in individuals affected with DMXL2-related conditions. ClinVar contains an entry for this variant (Variation ID: 2133585). An algorithm developed to predict the effect of missense changes on protein structure and function (PolyPhen-2) suggests that this variant is likely to be disruptive. In summary, the available evidence is currently insufficient to determine the role of this variant in disease. Therefore, it has been classified as a Variant of Uncertain Significance.